The following is an entry in ClinVar:

NM_000136.3(FANCC):c.896+5A>T

Genes: AOPEP (aminopeptidase O (putative); plus strand), FANCC (FA complementation group C; minus strand). Cytogenetic location: 9q22.32.
Variant type: single nucleotide variant.
Coding change: c.896+5A>T on transcript NM_000136.3 (MANE Select); 5 bases into the intron after coding-DNA position 896, A replaced by T.
Molecular consequence: intron variant.
Genome position (GRCh38, 1-based): chr9:95,126,524, T>A on the plus strand (A>T on the coding strand, the complement: FANCC is on the minus strand). VCF-style: chr9-95126524-T-A. GRCh37 (hg19) VCF-style: chr9-97888806-T-A.
Other names: c.896+5A>T (NM_001243743.2, NM_001243744.2).
Identifiers: ClinVar variation 835772 (VCV000835772.10), dbSNP rs1826005529, ClinGen allele CA916081533.

ClinVar aggregate classification (germline): Uncertain significance (1 of 4 stars; one submission).

Conditions:
Fanconi anemia (FA). Also called: Fanconi's anemia. Identifiers: Orphanet 84, MedGen C0015625, MeSH D005199, MONDO:0019391.

gnomAD v4.1: 1 of 1,613,670 alleles (0.000062%); no homozygotes.

Submission:

Labcorp Genetics (formerly Invitae), Labcorp
Classification: Uncertain significance for Fanconi anemia. Last evaluated: 2020-09-11. Review status: criteria provided, single submitter. Criteria: Invitae Variant Classification Sherloc (09022015). Collection method: clinical testing. Allele origin: germline.
Comment: In summary, the available evidence is currently insufficient to determine the role of this variant in disease. Therefore, it has been classified as a Variant of Uncertain Significance. Nucleotide substitutions within the consensus splice site are a relatively common cause of aberrant splicing (PMID: 17576681, 9536098). Algorithms developed to predict the effect of sequence changes on RNA splicing suggest that this variant is not likely to affect RNA splicing, but this prediction has not been confirmed by published transcriptional studies. This variant has not been reported in the literature in individuals with FANCC-related conditions. This variant is not present in population databases (ExAC no frequency). This sequence change falls in intron 9 of the FANCC gene. It does not directly change the encoded amino acid sequence of the FANCC protein, but it affects a nucleotide within the consensus splice site of the intron.

Literature cited by the submitters: PubMed 17576681; PubMed 9536098.